The following is an entry in ClinVar:

NM_000501.4(ELN):c.134-14C>T

Gene: ELN (elastin; plus strand). Cytogenetic location: 7q11.23.
Variant type: single nucleotide variant.
Coding change: c.134-14C>T on transcript NM_000501.4 (MANE Select); 14 bases into the intron before coding-DNA position 134, C replaced by T.
Molecular consequence: intron variant.
Genome position (GRCh38, 1-based): chr7:74,036,541, C>T. VCF-style: chr7-74036541-C-T. GRCh37 (hg19) VCF-style: chr7-73450871-C-T.
Other names: c.134-14C>T (NM_001081754.3, NM_001081753.3, NM_001278939.2 and 5 more transcripts); c.133+1127C>T (NM_001278914.2, NM_001278917.2, NM_001081752.3 and 1 more transcripts).
Identifiers: ClinVar variation 510463 (VCV000510463.4), dbSNP rs782028490, ClinGen allele CA4292308.

ClinVar aggregate classification (germline): Likely benign. Review status: criteria provided, multiple submitters, no conflicts (2 of 4 stars). 2 submissions from 2 submitters: Likely benign (2). Last evaluated 2022-11-10.

Conditions:
Supravalvar aortic stenosis (SVAS). Also called: Supravalvar aortic stenosis, Eisenberg type. Identifiers: Orphanet 3193, MedGen C0003499, MONDO:0008504, OMIM 185500, HP:0004381.

Allele frequency attached by ClinVar (database versions not stated): gnomAD 0.00001; ExAC 0.00002; gnomAD exomes 0.00002.
gnomAD v4.1: 26 of 1,613,890 alleles (0.0016%); highest among the groups gnomAD compares: South Asian, 0.02%; no homozygotes.

Submissions (2):

Labcorp Genetics (formerly Invitae), Labcorp
Classification: Likely benign for Supravalvar aortic stenosis. Last evaluated: 2022-11-10. Review status: criteria provided, single submitter. Criteria: Invitae Variant Classification Sherloc (09022015). Collection method: clinical testing. Allele origin: germline.

GeneDx
Classification: Likely benign. Last evaluated: 2017-06-30. Review status: criteria provided, single submitter. Criteria: GeneDx Variant Classification (06012015). Collection method: clinical testing. Allele origin: germline. Affected: yes.
Comment: This variant is considered likely benign or benign based on one or more of the following criteria: it is a conservative change, it occurs at a poorly conserved position in the protein, it is predicted to be benign by multiple in silico algorithms, and/or has population frequency not consistent with disease.